The following is an entry in ClinVar:

NM_001320752.2(STS):c.272G>A (p.Trp91Ter)

Gene: STS (steroid sulfatase; plus strand). Cytogenetic location: Xp22.31.
Variant type: single nucleotide variant.
Coding change: c.272G>A on transcript NM_001320752.2 (MANE Select); coding-DNA position 272, G replaced by A.
Protein change: p.Trp91Ter; replaces tryptophan 91 with a stop codon.
Molecular consequence: nonsense.
Genome position (GRCh38, 1-based): chrX:7,257,478, G>A. VCF-style: chrX-7257478-G-A. GRCh37 (hg19) VCF-style: chrX-7175519-G-A.
Other names: c.272G>A, p.Trp91Ter (NM_000351.7, NM_001320753.2, NM_001320754.2); c.308G>A, p.Trp103Ter (NM_001320750.3, NM_001320751.2); short protein forms W91*, W103*.
Identifiers: ClinVar variation 625856 (VCV000625856.5), dbSNP rs1463414987, ClinGen allele CA412019801.

ClinVar aggregate classification (germline): Pathogenic. Review status: criteria provided, single submitter (1 of 4 stars). 2 submissions from 2 submitters: Pathogenic (1). 1 of the submissions does not count toward it. Last evaluated 2019-04-30.

Conditions:
X-linked ichthyosis with steryl-sulfatase deficiency (XLI). Also called: PLACENTAL STEROID SULFATASE DEFICIENCY; STEROID SULFATASE DEFICIENCY; STEROID SULFATASE DEFICIENCY DISEASE; STS DEFICIENCY; Ichthyosis, X-Linked; Recessive X-linked ichthyosis. Identifiers: Orphanet 461, MedGen C0079588, MONDO:0010622, OMIM 308100.

Submissions (2):

Faculty of Allied and Health Sciences, Imperial College of Business Studies
Classification: Pathogenic for X-linked ichthyosis with steryl-sulfatase deficiency. Last evaluated: 2019-04-30. Review status: criteria provided, single submitter. Criteria: ACMG Guidelines, 2015. Collection method: research. Allele origin: germline. Inheritance: X-linked recessive inheritance. Affected: yes. Observed: 1 hemizygote.
Comment: Sanger sequencing identified a novel hemizygous nonsense mutation, chromosome X:7,175,519 (c.287G>A; p.W96*), in exon 4 of STS gene in the proband and all other affected male individuals, while this deleterious mutation was not detected in the normal controls. We report genetic findings of a large Pakistani family with XLI using direct DNA sequencing of the entire coding region of STS. The clinical manifestations occurred early in life and involved generalized dryness and scaling of the skin with polygonal, regular dark scales of the skin on scalp, posterior ear, neck, trunk and limbs, palms and soles were spared. There were no associated extra-cutaneous features such as shortness, hyposmia, cryptorchidism, photophobia, corneal opacities, autism, intellectual disability or attention deficit hyperactivity disorder.

FAHD UNIT, Department of Genetics, King Faisal Specialist Hospital and Research Centre
Classification: Pathogenic for X-linked ichthyosis with steryl-sulfatase deficiency. Last evaluated: 2019-01-31. Review status: no assertion criteria provided. Collection method: research. Allele origin: germline. Inheritance: Autosomal recessive inheritance. Affected: yes. Observed: 1 hemizygote. Not counted in ClinVar's aggregate classification.